The following is an entry in ClinVar:

NM_000155.4(GALT):c.626A>G (p.Tyr209Cys)

Gene: GALT (galactose-1-phosphate uridylyltransferase; plus strand). Cytogenetic location: 9p13.3.
Variant type: single nucleotide variant.
Coding change: c.626A>G on transcript NM_000155.4 (MANE Select); coding-DNA position 626, A replaced by G.
Protein change: p.Tyr209Cys; replaces tyrosine 209 with cysteine.
Molecular consequence: missense variant.
Genome position (GRCh38, 1-based): chr9:34,648,395, A>G. VCF-style: chr9-34648395-A-G. GRCh37 (hg19) VCF-style: chr9-34648392-A-G.
Other names: p.Y209C:TAT>TGT; NM_000155.4(GALT):c.626A>G; c.299A>G, p.Tyr100Cys (NM_001258332.2); short protein forms Y100C.
Identifiers: ClinVar variation 25231 (VCV000025231.56), dbSNP rs111033744, ClinGen allele CA312567.

ClinVar aggregate classification (germline): Pathogenic. Review status: reviewed by expert panel (3 of 4 stars). 13 submissions from 13 submitters: Pathogenic (1). 12 of the submissions do not count toward it. Last evaluated 2026-06-23.

Conditions:
Galactosemia. Also called: Galactose intolerance. Identifiers: Orphanet 352, MedGen C0016952, MONDO:0018116, HP:0004919. Disease mechanism: loss of function.
Deficiency of UDPglucose-hexose-1-phosphate uridylyltransferase. Also called: GALACTOSE-1-PHOSPHATE URIDYLYLTRANSFERASE DEFICIENCY; Transferase Deficiency Galactosemia; GALACTOSEMIA I; GALT deficiency; Galactosemia, classic. Identifiers: Orphanet 352, Orphanet 79239, MedGen C0268151, MONDO:0009258, OMIM 230400.

Allele frequency attached by ClinVar (database versions not stated): ExAC 0.00002; gnomAD 0.00002; gnomAD exomes 0.00001; TOPMed 0.00002.

Submissions (13):

Clingen Galactosemia Variant Curation Expert Panel, ClinGen
Classification: Pathogenic for Galactosemia. Last evaluated: 2026-06-23. Review status: reviewed by expert panel. Criteria: ClinGen Galactosemia ACMG Specifications GALT V1.1. Collection method: curation. Allele origin: germline. Inheritance: Autosomal recessive inheritance.
Comment: The c.626A>G variant in GALT is a missense variant predicted to cause substitution of tyrosine by cysteine at amino acid 209 (p.Tyr209Cys). The filtering allele frequency (the upper threshold of the 95% CI of 4/91092) of the c.626A>G variant in GALT is 0.00001425 for South Asian chromosomes by gnomAD v4.1.0, which is lower than the ClinGen Galactosemia threshold (≤ 0.0005) for PM2_Supporting, and therefore meets this criterion (PM2_Supporting). The computational predictor REVEL gives a SCORE of 0.825, which is equal to or above the threshold of 0.7, evidence that correlates with impact to GALT function (PP3). This variant has been detected in at least 9 individuals with galactosemia. All of those individuals were compound heterozygous for the variant and a pathogenic variant (PM3_Very Strong; PMID: 10399107, 11397328, 22693313, 10535394, Internal lab contributors). At least one patient with this variant displayed no detectable Galac-1-Phos Uridyltransferase activity, which is highly specific for galactosemia (PP4; Internal lab contributors). GALT activity in a null-background yeast expression system for the human enzyme showed 13.6 ± 1.3% of WT activity, indicating that this variant impacts protein function (PS3_Supporting; PMID: 22743281). In summary, this variant meets the criteria to be classified as pathogenic for galactosemia based on the ACMG/AMP criteria applied, as specified by the ClinGen Galactosemia VCEP: PM3_Very Strong, PM2_Supporting, PS3_Supporting, PP3, PP4 (GALT specifications v1.0).

Labcorp Genetics (formerly Invitae), Labcorp
Classification: Pathogenic for Deficiency of UDPglucose-hexose-1-phosphate uridylyltransferase. Last evaluated: 2026-01-02. Review status: criteria provided, single submitter. Criteria: Invitae Variant Classification Sherloc (09022015). Collection method: clinical testing. Allele origin: germline. Not counted in ClinVar's aggregate classification.
Comment: This sequence change replaces tyrosine, which is neutral and polar, with cysteine, which is neutral and slightly polar, at codon 209 of the GALT protein (p.Tyr209Cys). This variant is present in population databases (rs111033744, gnomAD 0.003%). This missense change has been observed in individual(s) with galactosemia (PMID: 10399107, 11397328, 16540753). ClinVar contains an entry for this variant (Variation ID: 25231). Invitae Evidence Modeling of protein sequence and biophysical properties (such as structural, functional, and spatial information, amino acid conservation, physicochemical variation, residue mobility, and thermodynamic stability) indicates that this missense variant is expected to disrupt GALT protein function with a positive predictive value of 95%. Experimental studies have shown that this missense change affects GALT function (PMID: 22743281). This variant disrupts the p.Tyr209 amino acid residue in GALT. Other variant(s) that disrupt this residue have been observed in individuals with GALT-related conditions (PMID: 10399107), which suggests that this may be a clinically significant amino acid residue. For these reasons, this variant has been classified as Pathogenic.

Natera, Inc.
Classification: Pathogenic for Galactosemia. Last evaluated: 2025-09-16. Review status: criteria provided, single submitter. Criteria: Natera Variant Classification Schema (03/2026). Collection method: clinical testing. Allele origin: germline. Not counted in ClinVar's aggregate classification.
Comment: The c.626A>G variant in GALT is a missense variant predicted to cause substitution of tyrosine to cysteine at amino acid 209. This variant is rare in the general population with a frequency below the threshold expected for the associated phenotype(s). This variant has been observed in one or more individuals affected with the associated recessive disease, as either homozygous or compound heterozygous with a second variant (PMID: 33335841, 10399107, 10960497). A different variant at the same position has been determined to be Pathogenic or Likely Pathogenic. Computational prediction algorithms indicate this variant is likely to affect gene or protein function. Given the available evidence, this variant is classified as Pathogenic.

Mayo Clinic Laboratories, Mayo Clinic
Classification: Pathogenic. Last evaluated: 2024-03-05. Review status: criteria provided, single submitter. Criteria: ACMG Guidelines, 2015. Collection method: clinical testing. Allele origin: germline. Observed: 3 variant alleles. Not counted in ClinVar's aggregate classification.
Comment: PP3, PM2_supporting

Baylor Genetics
Classification: Pathogenic for Deficiency of UDPglucose-hexose-1-phosphate uridylyltransferase. Last evaluated: 2024-02-13. Review status: criteria provided, single submitter. Criteria: ACMG Guidelines, 2015. Collection method: clinical testing. Allele origin: unknown. Not counted in ClinVar's aggregate classification.

GeneDx
Classification: Pathogenic. Last evaluated: 2022-02-28. Review status: criteria provided, single submitter. Criteria: GeneDx Variant Classification Process June 2021. Collection method: clinical testing. Allele origin: germline. Affected: yes. Not counted in ClinVar's aggregate classification.
Comment: Not observed at significant frequency in large population cohorts (gnomAD); In silico analysis supports that this missense variant has a deleterious effect on protein structure/function; This variant is associated with the following publications: (PMID: 10399107, 25124065, 17876724, 27005423, 22975760, 20008339, 10960497, 24973740, 22693313, 17884932, 17079880, 16540753, 24045215, 27415407, 24718839, 11261429, 10408771, 29261178, 30172461, 31589614, 22743281, 34030713)

Fulgent Genetics
Classification: Pathogenic for Deficiency of UDPglucose-hexose-1-phosphate uridylyltransferase. Last evaluated: 2021-08-04. Review status: criteria provided, single submitter. Criteria: ACMG Guidelines, 2015. Collection method: clinical testing. Allele origin: unknown. Not counted in ClinVar's aggregate classification.

Myriad Genetics, Inc.
Classification: Likely pathogenic for Deficiency of UDPglucose-hexose-1-phosphate uridylyltransferase. Last evaluated: 2019-12-13. Review status: criteria provided, single submitter. Criteria: Myriad Women's Health Autosomal Recessive and X-Linked Classification Criteria (2019). Collection method: clinical testing. Allele origin: unknown. Not counted in ClinVar's aggregate classification.
Comment: NM_000155.3(GALT):c.626A>G(Y209C) is classified as likely pathogenic in the context of galactosemia. Sources cited for classification include the following: PMID 12595586, 10960497, 22693313, 11261429, 10399107 and 22743281. Classification of NM_000155.3(GALT):c.626A>G(Y209C) is based on the following criteria: This variant has been observed more frequently in patients with clinical diagnoses than in healthy populations. Please note: this variant was assessed in the context of healthy population screening.

Revvity Omics, Revvity
Classification: Pathogenic for Deficiency of UDPglucose-hexose-1-phosphate uridylyltransferase. Last evaluated: 2019-02-13. Review status: criteria provided, single submitter. Criteria: ACMG Guidelines, 2015. Collection method: clinical testing. Allele origin: germline. Not counted in ClinVar's aggregate classification.

Eurofins Ntd Llc (ga)
Classification: Pathogenic. Last evaluated: 2016-05-06. Review status: criteria provided, single submitter. Criteria: EGL Classification Definitions 2015. Collection method: clinical testing. Allele origin: germline. Observed: 6 variant alleles, 5 heterozygotes, 1 homozygote. Not counted in ClinVar's aggregate classification.

Center for Pediatric Genomic Medicine, Children's Mercy Hospital and Clinics
Classification: Pathogenic. Last evaluated: 2015-09-14. Review status: criteria provided, single submitter. Criteria: ACMG Guidelines, 2015. Collection method: clinical testing. Allele origin: germline. Not counted in ClinVar's aggregate classification.

Women's Health and Genetics/Laboratory Corporation of America, LabCorp
Classification: Pathogenic for Galactosemia. Last evaluated: 2011-08-18. Review status: criteria provided, single submitter. Criteria: LabCorp Variant Classification Summary - May 2015. Collection method: curation, clinical testing. Allele origin: germline. Inheritance: autosomal recessive. Affected: yes. Observed: 10 variant alleles. Not counted in ClinVar's aggregate classification.
ClinVar note: Converted during submission from pathogenic to Pathogenic.

GeneReviews
No classification provided. Condition: Deficiency of UDPglucose-hexose-1-phosphate uridylyltransferase. Review status: no classification provided. Collection method: literature only. Allele origin: germline. Not counted in ClinVar's aggregate classification.
Comment: Severe classic pathogenic variant

Literature cited by the submitters: PubMed 10399107 (cited by 4 submitters); PubMed 11397328 (cited by Labcorp Genetics (formerly Invitae), Labcorp); PubMed 16540753 (cited by Labcorp Genetics (formerly Invitae), Labcorp and Women's Health and Genetics/Laboratory Corporation of America, LabCorp); PubMed 22743281 (cited by Labcorp Genetics (formerly Invitae), Labcorp and Myriad Genetics, Inc.); PubMed 33335841 (cited by Natera, Inc.); PubMed 10960497 (cited by 3 submitters); PubMed 10408771 (cited by Mayo Clinic Laboratories, Mayo Clinic and Women's Health and Genetics/Laboratory Corporation of America, LabCorp); PubMed 34030713 (cited by Mayo Clinic Laboratories, Mayo Clinic); PubMed 12595586 (cited by Myriad Genetics, Inc. and Women's Health and Genetics/Laboratory Corporation of America, LabCorp); PubMed 22693313 (cited by Myriad Genetics, Inc.); PubMed 11261429 (cited by Myriad Genetics, Inc. and Women's Health and Genetics/Laboratory Corporation of America, LabCorp); PubMed 17876724 (cited by Women's Health and Genetics/Laboratory Corporation of America, LabCorp); PubMed 17079880 (cited by Women's Health and Genetics/Laboratory Corporation of America, LabCorp); PubMed 12491926 (cited by Women's Health and Genetics/Laboratory Corporation of America, LabCorp); PubMed 17884932 (cited by Women's Health and Genetics/Laboratory Corporation of America, LabCorp); PubMed 10535394 (cited by Women's Health and Genetics/Laboratory Corporation of America, LabCorp); NCBI Bookshelf NBK1518 (cited by GeneReviews); PubMed 20301691 (cited by GeneReviews).